The following is an entry in ClinVar:

ClinVar aggregate classification (germline): Uncertain significance (1 of 4 stars; one submission).

gnomAD v4.1: 31 of 1,614,050 alleles (0.0019%); highest among the groups gnomAD compares: East Asian, 0.022%; 1 homozygote.

Submission:

Labcorp Genetics (formerly Invitae), Labcorp
Classification: Uncertain significance. Last evaluated: 2025-06-30. Review status: criteria provided, single submitter. Criteria: Invitae Variant Classification Sherloc (09022015). Collection method: clinical testing. Allele origin: germline.
Comment: This sequence change affects codon 103 of the CLCNKB mRNA. It is a 'silent' change, meaning that it does not change the encoded amino acid sequence of the CLCNKB protein. This variant is present in population databases (rs772320740, gnomAD 0.008%). This variant has not been reported in the literature in individuals affected with CLCNKB-related conditions. Algorithms developed to predict the effect of sequence changes on RNA splicing suggest that this variant may disrupt the consensus splice site. In summary, the available evidence is currently insufficient to determine the role of this variant in disease. Therefore, it has been classified as a Variant of Uncertain Significance.

NM_000085.5(CLCNKB):c.309C>T (p.Leu103=)

Genes: CLCNKB (chloride voltage-gated channel Kb; plus strand), LOC106501713 (CLCNKB recombination region; plus strand). Cytogenetic location: 1p36.13.
Variant type: single nucleotide variant.
Coding change: c.309C>T on transcript NM_000085.5 (MANE Select); coding-DNA position 309, C replaced by T.
Protein change: p.Leu103=; no amino-acid change (leucine 103 retained).
Molecular consequence: synonymous variant.
Genome position (GRCh38, 1-based): chr1:16,046,614, C>T. VCF-style: chr1-16046614-C-T. GRCh37 (hg19) VCF-style: chr1-16373109-C-T.
Identifiers: ClinVar variation 4750827 (VCV004750827.1).